The following is an entry in ClinVar:

NM_016363.5(GP6):c.708_711del (p.Asn236fs)

Gene: GP6 (glycoprotein VI platelet; minus strand). Cytogenetic location: 19q13.42.
Variant type: Deletion.
Coding change: c.708_711del on transcript NM_016363.5 (MANE Select); coding-DNA positions 708 to 711, 4 bases deleted (CGAA; older notation c.708_711delCGAA).
Protein change: p.Asn236fs; shifts the reading frame from asparagine 236.
Molecular consequence: frameshift variant.
Genome position (GRCh38, 1-based): chr19:55,018,665-55,018,668, TTCG deleted on the plus strand (CGAA on the coding strand, the reverse complement: GP6 is on the minus strand); deleting any 4 consecutive bases within chr19:55,018,665-55,018,670 gives the same sequence; the c. name uses the placement nearest the transcript's 3' end. VCF-style (leftmost placement, unchanged base first): chr19-55018664-CTTCG-C. GRCh37 (hg19) VCF-style: chr19-55530032-CTTCG-C.
Other names: c.708_711delCGAA (NM_001083899.2); c.708_711del, p.Asn236fs (NM_001083899.2); c.654_657del, p.Asn218fs (NM_001256017.2); short protein forms N218fs, N236fs.
Identifiers: ClinVar variation 1691235 (VCV001691235.4), dbSNP rs754929349, ClinGen allele CA310123422.

ClinVar aggregate classification (germline): Pathogenic/Likely pathogenic. Review status: criteria provided, multiple submitters, no conflicts (2 of 4 stars). 2 submissions from 2 submitters: Pathogenic (1); Likely pathogenic (1). Last evaluated 2025-11-13.

Conditions:
Platelet-type bleeding disorder 11 (BDPLT11). Also called: GLYCOPROTEIN VI DEFICIENCY; GP VI DEFICIENCY. Identifiers: Orphanet 73271, Orphanet 98885, MedGen C3280120, MONDO:0013623, OMIM 614201.

Submissions (2):

First Genomix Gene Laboratory, Genetic Diagnostics Department
Classification: Likely pathogenic for Platelet-type bleeding disorder 11. Last evaluated: 2025-11-13. Review status: criteria provided, single submitter. Criteria: ACMG Guidelines, 2015. Collection method: clinical testing. Allele origin: germline. Inheritance: Autosomal recessive inheritance. Affected: no. Observed: 1 variant allele.

ISTH-SSC Genomics in Thrombosis and Hemostasis, KU Leuven, Center for Molecular and Vascular Biology
Classification: Pathogenic for Platelet-type bleeding disorder 11. Review status: criteria provided, single submitter. Criteria: ACMG Guidelines, 2015. Collection method: clinical testing. Allele origin: germline. Affected: yes. Observed: 1 heterozygote.
Comment: Submitted to GoldVariant by Jose María Bastida and José Rivera; Grupo Español de Alteraciones Plaquetarias Congénitas (GEAPC)